The following is an entry in ClinVar:

NM_024675.4(PALB2):c.746del (p.Pro249fs)

Gene: PALB2 (partner and localizer of BRCA2; minus strand). Cytogenetic location: 16p12.2.
Variant type: Deletion.
Coding change: c.746del on transcript NM_024675.4 (MANE Select); coding-DNA position 746, one base deleted (C; older notation c.746delC).
Protein change: p.Pro249fs; shifts the reading frame from proline 249.
Molecular consequence: frameshift variant. On other transcripts: 5 prime UTR variant (8), intron variant (3).
Genome position (GRCh38, 1-based): chr16:23,635,800, G deleted on the plus strand (C on the coding strand, the reverse complement: PALB2 is on the minus strand); the first of 2 consecutive G bases (chr16:23,635,800-23,635,801); deleting either gives the same sequence. VCF-style (leftmost placement, unchanged base first): chr16-23635799-AG-A. GRCh37 (hg19) VCF-style: chr16-23647120-AG-A.
Other names: c.686del, p.Pro229fs (NM_001407296.1); c.746del, p.Pro249fs (NM_001407297.1, NM_001407298.1, NM_001407299.1 and 3 more transcripts); c.-140del (NM_001407304.1, NM_001407305.1, NM_001407306.1 and 5 more transcripts); c.48+5310del (NM_001407314.1); c.-105+5310del (NM_001407313.1, NM_001407312.1); short protein forms P229fs, P249fs.
Identifiers: ClinVar variation 3658264 (VCV003658264.2).

ClinVar aggregate classification (germline): Pathogenic (1 of 4 stars; one submission).

Conditions:
Familial cancer of breast. Also called: Hereditary breast cancer; hereditary breast carcinoma; BREAST CANCER, FAMILIAL. Identifiers: Orphanet 227535, MedGen C0346153, MONDO:0016419, OMIM 114480. Disease mechanism: loss of function.

Submission:

Labcorp Genetics (formerly Invitae), Labcorp
Classification: Pathogenic for Familial cancer of breast. Last evaluated: 2024-06-30. Review status: criteria provided, single submitter. Criteria: Invitae Variant Classification Sherloc (09022015). Collection method: clinical testing. Allele origin: germline.
Comment: This sequence change creates a premature translational stop signal (p.Pro249Leufs*30) in the PALB2 gene. It is expected to result in an absent or disrupted protein product. Loss-of-function variants in PALB2 are known to be pathogenic (PMID: 17200668, 17200671, 17200672, 24136930, 25099575). This variant is not present in population databases (gnomAD no frequency). This variant has not been reported in the literature in individuals affected with PALB2-related conditions. For these reasons, this variant has been classified as Pathogenic.

Literature cited by the submitters: PubMed 17200668; PubMed 17200671; PubMed 17200672; PubMed 24136930; PubMed 25099575.